The following is an entry in ClinVar:

NM_000553.6(WRN):c.715A>G (p.Ile239Val)

Gene: WRN (WRN RecQ like helicase; plus strand). Cytogenetic location: 8p12.
Variant type: single nucleotide variant.
Coding change: c.715A>G on transcript NM_000553.6 (MANE Select); coding-DNA position 715, A replaced by G.
Protein change: p.Ile239Val; replaces isoleucine 239 with valine.
Molecular consequence: missense variant.
Genome position (GRCh38, 1-based): chr8:31,068,318, A>G. VCF-style: chr8-31068318-A-G. GRCh37 (hg19) VCF-style: chr8-30925834-A-G.
Other names: short protein forms I239V.
Identifiers: ClinVar variation 566316 (VCV000566316.10), dbSNP rs781741859, ClinGen allele CA4704140.
Genomic context (GRCh38, chr8:31,068,318, plus strand): 5'-GCTGGTTTTATTATTTACCGAAATTTAGAGATTTTGGATGATACTGTGCAAAGGTTTGCT[A>G]TAAATAAAGGTATGTTAAGATCCATAAATAAAATGTGAATTCACTCTTTTGTGAGGTTTA-3'
Protein context (NP_000544.2, residues 229-249): ILDDTVQRFA[Ile239Val]NKEEEILLSD

ClinVar aggregate classification (germline): Uncertain significance. Review status: criteria provided, multiple submitters, no conflicts (2 of 4 stars). 2 submissions from 2 submitters: Uncertain significance (2). Last evaluated 2025-11-26.

Conditions:
Werner syndrome (WRN). Identifiers: Orphanet 902, MedGen C0043119, MONDO:0010196, OMIM 277700.

Allele frequency attached by ClinVar (database versions not stated): ExAC 0.00002; TOPMed 0.00002.
gnomAD v4.1: 19 of 1,605,692 alleles (0.0012%); highest among the groups gnomAD compares: East Asian, 0.0022%; no homozygotes.

Submissions (2):

Labcorp Genetics (formerly Invitae), Labcorp
Classification: Uncertain significance for Werner syndrome. Last evaluated: 2025-11-26. Review status: criteria provided, single submitter. Criteria: Invitae Variant Classification Sherloc (09022015). Collection method: clinical testing. Allele origin: germline.
Comment: This sequence change replaces isoleucine, which is neutral and non-polar, with valine, which is neutral and non-polar, at codon 239 of the WRN protein (p.Ile239Val). This variant is present in population databases (rs781741859, gnomAD 0.003%). This variant has not been reported in the literature in individuals affected with WRN-related conditions. ClinVar contains an entry for this variant (Variation ID: 566316). An algorithm developed to predict the effect of missense changes on protein structure and function outputs the following: PolyPhen-2: "Benign". The valine amino acid residue is found in multiple mammalian species, which suggests that this missense change does not adversely affect protein function. In summary, the available evidence is currently insufficient to determine the role of this variant in disease. Therefore, it has been classified as a Variant of Uncertain Significance.

Illumina Laboratory Services, Illumina
Classification: Uncertain significance for Werner syndrome. Last evaluated: 2018-01-12. Review status: criteria provided, single submitter. Criteria: ICSL Variant Classification Criteria 13 December 2019. Collection method: clinical testing. Allele origin: germline.